The following is an entry in ClinVar:

NM_006030.4(CACNA2D2):c.2350C>T (p.Arg784Cys)

Genes: CACNA2D2 (calcium voltage-gated channel auxiliary subunit alpha2delta 2; minus strand), LOC127898564 (CYB561D2-LOC101928965; plus strand), LOC101928965 (uncharacterized LOC101928965; plus strand). Cytogenetic location: 3p21.31.
Variant type: single nucleotide variant.
Coding change: c.2350C>T on transcript NM_006030.4 (MANE Select); coding-DNA position 2350, C replaced by T.
Protein change: p.Arg784Cys; replaces arginine 784 with cysteine.
Molecular consequence: missense variant.
Genome position (GRCh38, 1-based): chr3:50,367,445, G>A on the plus strand (C>T on the coding strand, the complement: CACNA2D2 is on the minus strand). VCF-style: chr3-50367445-G-A. GRCh37 (hg19) VCF-style: chr3-50404876-G-A.
Other names: c.2350C>T, p.Arg784Cys (NM_001005505.3); c.2371C>T, p.Arg791Cys (NM_001174051.3); c.2143C>T, p.Arg715Cys (NM_001291101.1); c.2371C>T (NM_001174051.1); short protein forms R791C, R784C, R715C.
Identifiers: ClinVar variation 461312 (VCV000461312.13), dbSNP rs746371451, ClinGen allele CA2418511.

ClinVar aggregate classification (germline): Uncertain significance. Review status: criteria provided, multiple submitters, no conflicts (2 of 4 stars). 2 submissions from 2 submitters: Uncertain significance (2). Last evaluated 2024-07-01.

Conditions:
Developmental and epileptic encephalopathy. Identifiers: MedGen C5779964, MONDO:0100620.
Inborn genetic diseases. Identifiers: MedGen C0950123, MeSH D030342.

Allele frequency attached by ClinVar (database versions not stated): gnomAD 0.00006; ExAC 0.00008; gnomAD exomes 0.00008; TOPMed 0.00010.
gnomAD v4.1: 159 of 1,613,836 alleles (0.0099%); highest among the groups gnomAD compares: Middle Eastern, 0.016%; no homozygotes.

Submissions (2):

Labcorp Genetics (formerly Invitae), Labcorp
Classification: Uncertain significance for Early-infantile DEE. Last evaluated: 2024-07-01. Review status: criteria provided, single submitter. Criteria: Invitae Variant Classification Sherloc (09022015). Collection method: clinical testing. Allele origin: germline.
Comment: This sequence change replaces arginine, which is basic and polar, with cysteine, which is neutral and slightly polar, at codon 784 of the CACNA2D2 protein (p.Arg784Cys). This variant is present in population databases (rs746371451, gnomAD 0.01%). This variant has not been reported in the literature in individuals affected with CACNA2D2-related conditions. ClinVar contains an entry for this variant (Variation ID: 461312). An algorithm developed to predict the effect of missense changes on protein structure and function (PolyPhen-2) suggests that this variant is likely to be disruptive. In summary, the available evidence is currently insufficient to determine the role of this variant in disease. Therefore, it has been classified as a Variant of Uncertain Significance.

Ambry Genetics
Classification: Uncertain significance for Inborn genetic diseases. Last evaluated: 2024-05-22. Review status: criteria provided, single submitter. Criteria: Ambry Variant Classification Scheme 2023. Collection method: clinical testing. Allele origin: germline.
Comment: The c.2371C>T (p.R791C) alteration is located in exon 28 (coding exon 28) of the CACNA2D2 gene. This alteration results from a C to T substitution at nucleotide position 2371, causing the arginine (R) at amino acid position 791 to be replaced by a cysteine (C). The in silico prediction for the p.R791C alteration is inconclusive. Based on insufficient or conflicting evidence, the clinical significance of this alteration remains unclear.